The following is an entry in ClinVar:

ClinVar aggregate classification (germline): Pathogenic. Review status: criteria provided, single submitter (1 of 4 stars). 2 submissions from 2 submitters: Pathogenic (1). 1 of the submissions does not count toward it. Last evaluated 2025-02-10.

Conditions:
Autosomal recessive nonsyndromic hearing loss 9. Also called: NEUROSENSORY NONSYNDROMIC RECESSIVE DEAFNESS 9; OTOF-Related Hearing Loss; Deafness, autosomal recessive 9; AUDITORY NEUROPATHY, AUTOSOMAL RECESSIVE, 1, TEMPERATURE-SENSITIVE. Identifiers: Orphanet 90636, MedGen C1832828, MONDO:0010986, OMIM 601071.

Submissions (2):

Labcorp Genetics (formerly Invitae), Labcorp
Classification: Pathogenic. Last evaluated: 2025-02-10. Review status: criteria provided, single submitter. Criteria: Invitae Variant Classification Sherloc (09022015). Collection method: clinical testing. Allele origin: germline.
Comment: This sequence change creates a premature translational stop signal (p.Arg1227*) in the OTOF gene. It is expected to result in an absent or disrupted protein product. Loss-of-function variants in OTOF are known to be pathogenic (PMID: 18381613, 19250381, 22575033). This variant is present in population databases (rs111033478, gnomAD 0.01%). This premature translational stop signal has been observed in individual(s) with OTOF-related conditions (PMID: 26226137). ClinVar contains an entry for this variant (Variation ID: 2734136). For these reasons, this variant has been classified as Pathogenic.

Diagnosis and Treatment Center of Genetic Hearing Loss, Eye & ENT Hospital of Fudan University
Classification: Pathogenic for Autosomal recessive nonsyndromic hearing loss 9. Last evaluated: 2026-02-04. Review status: no assertion criteria provided. Collection method: clinical testing. Allele origin: germline. Inheritance: Autosomal recessive inheritance. Affected: yes. Not counted in ClinVar's aggregate classification.
Comment: The c.3679C>T nonsense variant in OTOF leads to a premature stop codon and predicted NMD (PVS1). The maximum population frequency is 0.000008 (PM2_Supporting). One homozygous patient has been reported (PM3_Supporting; PMID: 26226137). The phenotype is consistent with auditory neuropathy (PP4).

Literature cited by the submitters: PubMed 18381613 (cited by Labcorp Genetics (formerly Invitae), Labcorp); PubMed 19250381 (cited by Labcorp Genetics (formerly Invitae), Labcorp); PubMed 22575033 (cited by Labcorp Genetics (formerly Invitae), Labcorp); PubMed 26226137 (cited by Labcorp Genetics (formerly Invitae), Labcorp and Diagnosis and Treatment Center of Genetic Hearing Loss, Eye & ENT Hospital of Fudan University).

NM_194248.3(OTOF):c.3679C>T (p.Arg1227Ter)

Gene: OTOF (otoferlin; minus strand). Cytogenetic location: 2p23.3.
Variant type: single nucleotide variant.
Coding change: c.3679C>T on transcript NM_194248.3 (MANE Select); coding-DNA position 3679, C replaced by T.
Protein change: p.Arg1227Ter; replaces arginine 1227 with a stop codon.
Molecular consequence: nonsense.
Genome position (GRCh38, 1-based): chr2:26,473,186, G>A on the plus strand (C>T on the coding strand, the complement: OTOF is on the minus strand). VCF-style: chr2-26473186-G-A. GRCh37 (hg19) VCF-style: chr2-26696054-G-A.
Other names: c.3679C>T, p.Arg1227Ter (NM_001287489.2); c.1438C>T, p.Arg480Ter (NM_004802.4, NM_194323.3); c.1609C>T, p.Arg537Ter (NM_194322.3); short protein forms R1227*, R480*, R537*.
Identifiers: ClinVar variation 2734136 (VCV002734136.4), dbSNP rs111033478, ClinGen allele CA1563485.
Genomic context (GRCh38, chr2:26,473,186, plus strand): 5'-CCATACCCGTGGTGTTCCAGCTGGGGGCCGAGCGGTCTGGGGGCCGGTAGATGAAGCGTC[G>A]CAGGGAGCTGACGGCATGGGAGCCCACCAGTGTGTAGCGACCGAAGGCCCGGCAGTCCAC-3'